The following is an entry in ClinVar:

NM_020794.2:c.3679C>G

Gene: LRRC7 (leucine rich repeat containing 7; plus strand).
Variant type: single nucleotide variant.
Identifiers: ClinVar variation 4529951 (VCV004529951.1).

ClinVar aggregate classification (germline): Uncertain significance (1 of 4 stars; one submission).

Submission:

GeneDx
Classification: Uncertain significance. Last evaluated: 2025-05-11. Review status: criteria provided, single submitter. Criteria: GeneDx Variant Classification Process June 2021. Collection method: clinical testing. Allele origin: germline. Affected: yes.
Comment: Not observed at significant frequency in large population cohorts (gnomAD); In silico analysis suggests that this missense variant does not alter protein structure/function; Has not been previously published as pathogenic or benign to our knowledge